The following is an entry in ClinVar:

NM_005219.5(DIAPH1):c.2482+1G>A

Gene: DIAPH1 (diaphanous related formin 1; minus strand). Cytogenetic location: 5q31.3.
Variant type: single nucleotide variant.
Coding change: c.2482+1G>A on transcript NM_005219.5 (MANE Select); the canonical splice donor site of the intron after coding-DNA position 2482, G replaced by A.
Molecular consequence: splice donor variant.
Genome position (GRCh38, 1-based): chr5:141,571,427, C>T on the plus strand (G>A on the coding strand, the complement: DIAPH1 is on the minus strand). VCF-style: chr5-141571427-C-T. GRCh37 (hg19) VCF-style: chr5-140950994-C-T.
Other names: c.2455+1G>A (NM_001079812.3); c.2482+1G>A (NM_001314007.2).
Identifiers: ClinVar variation 5006846 (VCV005006846.2).

ClinVar aggregate classification (germline): Likely pathogenic (1 of 4 stars; one submission).

Conditions:
Progressive microcephaly-seizures-cortical blindness-developmental delay syndrome. Also called: Seizures, cortical blindness, and microcephaly syndrome. Identifiers: Orphanet 477814, MedGen C5567650, MONDO:0014714, OMIM 616632.
Autosomal dominant nonsyndromic hearing loss 1. Also called: KONIGSMARK SYNDROME; DEAFNESS, AUTOSOMAL DOMINANT 1, WITH OR WITHOUT THROMBOCYTOPENIA. Identifiers: Orphanet 90635, MedGen C1852282, MONDO:0007424, OMIM 124900.

Submission:

Juno Genomics, Hangzhou Juno Genomics, Inc
Classification: Likely pathogenic for Autosomal dominant nonsyndromic hearing loss 1; Progressive microcephaly-seizures-cortical blindness-developmental delay syndrome. Review status: criteria provided, single submitter. Criteria: ACMG Guidelines, 2015. Collection method: clinical testing. Allele origin: germline.
Comment: Null variant in a gene where loss of function (LOF) is a known mechanism of disease.;Absent from controls (or at extremely low frequency if recessive) in Genome Aggregation Database.